The following is an entry in ClinVar:

NM_000090.4(COL3A1):c.1761+2T>C

Gene: COL3A1 (collagen type III alpha 1 chain; plus strand). Cytogenetic location: 2q32.2.
Variant type: single nucleotide variant.
Coding change: c.1761+2T>C on transcript NM_000090.4 (MANE Select); the canonical splice donor site of the intron after coding-DNA position 1761, T replaced by C.
Molecular consequence: splice donor variant.
Genome position (GRCh38, 1-based): chr2:188,996,498, T>C. VCF-style: chr2-188996498-T-C. GRCh37 (hg19) VCF-style: chr2-189861224-T-C.
Identifiers: ClinVar variation 101232 (VCV000101232.5), dbSNP rs587779530, ClinGen allele CA004460.

ClinVar aggregate classification (germline): Pathogenic. Review status: criteria provided, single submitter (1 of 4 stars). 2 submissions from 2 submitters: Pathogenic (1). 1 of the submissions does not count toward it. Last evaluated 2023-01-05.

Conditions:
Ehlers-Danlos syndrome, type 4 (EDSVASC). Also called: Ehlers-Danlos syndrome vascular type; Ehlers Danlos syndrome, ecchymotic type; Ehlers Danlos syndrome, arterial type; Ehlers Danlos syndrome, Sack-Barabas type; Ehlers-Danlos Syndrome Type IV. Identifiers: Orphanet 286, MedGen C0268338, MONDO:0017314, OMIM 130050.

Submissions (2):

Labcorp Genetics (formerly Invitae), Labcorp
Classification: Pathogenic for Ehlers-Danlos syndrome, type 4. Last evaluated: 2023-01-05. Review status: criteria provided, single submitter. Criteria: Invitae Variant Classification Sherloc (09022015). Collection method: clinical testing. Allele origin: germline.
Comment: For these reasons, this variant has been classified as Pathogenic. Algorithms developed to predict the effect of sequence changes on RNA splicing suggest that this variant may disrupt the consensus splice site. ClinVar contains an entry for this variant (Variation ID: 101232). Disruption of this splice site has been observed in individuals with Ehlers-Danlos syndrome (PMID: 22019127, 24922459, 29381997). This variant is not present in population databases (gnomAD no frequency). This sequence change affects a donor splice site in intron 24 of the COL3A1 gene. It is expected to disrupt RNA splicing. Variants that disrupt the donor or acceptor splice site typically lead to a loss of protein function (PMID: 16199547), and loss-of-function variants in COL3A1 are known to be pathogenic (PMID: 24922459).

Collagen Diagnostic Laboratory, University of Washington
Classification: Pathogenic for Ehlers-Danlos syndrome, type 4. Review status: no assertion criteria provided. Collection method: clinical testing. Allele origin: germline. Affected: yes. Not counted in ClinVar's aggregate classification.

Literature cited by the submitters: PubMed 22019127 (cited by Labcorp Genetics (formerly Invitae), Labcorp); PubMed 24922459 (cited by Labcorp Genetics (formerly Invitae), Labcorp); PubMed 29381997 (cited by Labcorp Genetics (formerly Invitae), Labcorp); PubMed 16199547 (cited by Labcorp Genetics (formerly Invitae), Labcorp).